The following is an entry in ClinVar:

ClinVar aggregate classification (germline): Uncertain significance (1 of 4 stars; one submission).

Conditions:
Bloom syndrome (BLM). Also called: Bloom-Torre-Machacek syndrome. Identifiers: Orphanet 125, MedGen C0005859, MONDO:0008876, OMIM 210900.

Submission:

Labcorp Genetics (formerly Invitae), Labcorp
Classification: Uncertain significance for Bloom syndrome. Last evaluated: 2021-03-18. Review status: criteria provided, single submitter. Criteria: Invitae Variant Classification Sherloc (09022015). Collection method: clinical testing. Allele origin: germline.
Comment: This sequence change replaces arginine with lysine at codon 19 of the BLM protein (p.Arg19Lys). The arginine residue is moderately conserved and there is a small physicochemical difference between arginine and lysine. In summary, the available evidence is currently insufficient to determine the role of this variant in disease. Therefore, it has been classified as a Variant of Uncertain Significance. Algorithms developed to predict the effect of missense changes on protein structure and function output the following: SIFT: "Tolerated"; PolyPhen-2: "Benign"; Align-GVGD: "Class C0". The lysine amino acid residue is found in multiple mammalian species, suggesting that this missense change does not adversely affect protein function. These predictions have not been confirmed by published functional studies and their clinical significance is uncertain. This variant has not been reported in the literature in individuals with BLM-related conditions. This variant is not present in population databases (ExAC no frequency).

NM_000057.4(BLM):c.56G>A (p.Arg19Lys)

Gene: BLM (BLM RecQ like helicase; plus strand). Cytogenetic location: 15q26.1.
Variant type: single nucleotide variant.
Coding change: c.56G>A on transcript NM_000057.4 (MANE Select); coding-DNA position 56, G replaced by A.
Protein change: p.Arg19Lys; replaces arginine 19 with lysine.
Molecular consequence: missense variant. On other transcripts: 5 prime UTR variant (1).
Genome position (GRCh38, 1-based): chr15:90,747,448, G>A. VCF-style: chr15-90747448-G-A. GRCh37 (hg19) VCF-style: chr15-91290678-G-A.
Other names: c.56G>A, p.Arg19Lys (NM_001287246.2, NM_001287247.2); c.-1236G>A (NM_001287248.2); short protein forms R19K.
Identifiers: ClinVar variation 1438235 (VCV001438235.8), dbSNP rs2151145055, ClinGen allele CA393838917.
Genomic context (GRCh38, chr15:90,747,448, plus strand): 5'-GGATTATGGCTGCTGTTCCTCAAAATAATCTACAGGAGCAACTAGAACGTCACTCAGCCA[G>A]AACACTTAATAATAAATTAAGTCTTTCAAAACCAAAATTTTCGTAAGTGTTTTGACTGGT-3'
Protein context (NP_000048.1, residues 9-29): LQEQLERHSA[Arg19Lys]TLNNKLSLSK